The following is an entry in ClinVar:

ClinVar aggregate classification (germline): Benign/Likely benign. Review status: criteria provided, multiple submitters, no conflicts (2 of 4 stars). 3 submissions from 3 submitters: Benign (1); Likely benign (2). Last evaluated 2018-06-14.

Allele frequency attached by ClinVar (database versions not stated): gnomAD exomes 0.15940 and 0.13649; gnomAD 0.17809 and 0.18046; 1000 Genomes Project 30x 0.24781; 1000 Genomes Project 0.24880; ExAC 0.16290; ESP Exome Variant Server 0.17838; TOPMed 0.18186.
gnomAD v4.1: 226,295 of 1,600,770 alleles (14%); highest among the groups gnomAD compares: East Asian, 43%; 19,630 homozygotes.

Submissions (3):

GeneDx
Classification: Benign. Last evaluated: 2018-06-14. Review status: criteria provided, single submitter. Criteria: GeneDx Variant Classification (06012015). Collection method: clinical testing. Allele origin: germline. Affected: yes.
Comment: This variant is considered likely benign or benign based on one or more of the following criteria: it is a conservative change, it occurs at a poorly conserved position in the protein, it is predicted to be benign by multiple in silico algorithms, and/or has population frequency not consistent with disease.

Breakthrough Genomics
Classification: Likely benign. Review status: criteria provided, single submitter. Criteria: ACMG Guidelines, 2015. Collection method: not provided. Allele origin: germline. Inheritance: Autosomal recessive inheritance. Affected: yes.

PreventionGenetics, part of Exact Sciences
Classification: Likely benign. Review status: criteria provided, single submitter. Criteria: ACMG Guidelines, 2015. Collection method: clinical testing. Allele origin: germline.

NM_182961.4(SYNE1):c.2098-50G>A

Gene: SYNE1 (spectrin repeat containing nuclear envelope protein 1; minus strand). Cytogenetic location: 6q25.2.
Variant type: single nucleotide variant.
Coding change: c.2098-50G>A on transcript NM_182961.4 (MANE Select); 50 bases into the intron before coding-DNA position 2098, G replaced by A.
Molecular consequence: intron variant.
Genome position (GRCh38, 1-based): chr6:152,462,940, C>T on the plus strand (G>A on the coding strand, the complement: SYNE1 is on the minus strand). VCF-style: chr6-152462940-C-T. GRCh37 (hg19) VCF-style: chr6-152784075-C-T.
Other names: c.2119-50G>A (NM_033071.5).
Identifiers: ClinVar variation 262181 (VCV000262181.3), dbSNP rs7776344, ClinGen allele CA4059229.